The following is an entry in ClinVar:

NM_000535.7(PMS2):c.472A>T (p.Ser158Cys)

Gene: PMS2 (PMS1 homolog 2, mismatch repair system component; minus strand). Cytogenetic location: 7p22.1.
Variant type: single nucleotide variant.
Coding change: c.472A>T on transcript NM_000535.7 (MANE Select); coding-DNA position 472, A replaced by T.
Protein change: p.Ser158Cys; replaces serine 158 with cysteine.
Molecular consequence: missense variant. On other transcripts: 5 prime UTR variant (2), non-coding transcript variant (1).
Genome position (GRCh38, 1-based): chr7:6,002,518, T>A on the plus strand (A>T on the coding strand, the complement: PMS2 is on the minus strand). VCF-style: chr7-6002518-T-A. GRCh37 (hg19) VCF-style: chr7-6042149-T-A.
Other names: c.67A>T, p.Ser23Cys (NM_001322003.2, NM_001322004.2, NM_001322005.2 and 3 more transcripts); c.472A>T, p.Ser158Cys (NM_001322006.2, NM_001322014.2); c.154A>T, p.Ser52Cys (NM_001322007.2, NM_001322008.2); c.-413A>T (NM_001322011.2, NM_001322012.2); c.163A>T, p.Ser55Cys (NM_001322015.2); short protein forms S158C, S23C, S52C, S55C.
Identifiers: ClinVar variation 490104 (VCV000490104.12), dbSNP rs1554303942, ClinGen allele CA366744284.

ClinVar aggregate classification (germline): Uncertain significance. Review status: criteria provided, multiple submitters, no conflicts (2 of 4 stars). 3 submissions from 3 submitters: Uncertain significance (3). Last evaluated 2025-07-28.

Conditions:
Hereditary cancer-predisposing syndrome. Also called: Hereditary Cancer Syndrome; Neoplastic Syndromes, Hereditary; Tumor predisposition; Hereditary neoplastic syndrome. Identifiers: Orphanet 140162, MedGen C0027672, MeSH D009386, MONDO:0015356.
Hereditary nonpolyposis colorectal neoplasms. Identifiers: MedGen C0009405, MeSH D003123.

Allele frequency attached by ClinVar (database versions not stated): gnomAD exomes below 0.00001.
gnomAD v4.1: 2 of 1,611,820 alleles (0.00012%); highest among the groups gnomAD compares: East Asian, 0.0045%; no homozygotes.

Submissions (3):

Labcorp Genetics (formerly Invitae), Labcorp
Classification: Uncertain significance for Hereditary nonpolyposis colorectal neoplasms. Last evaluated: 2025-07-28. Review status: criteria provided, single submitter. Criteria: Invitae Variant Classification Sherloc (09022015). Collection method: clinical testing. Allele origin: germline.
Comment: This sequence change replaces serine, which is neutral and polar, with cysteine, which is neutral and slightly polar, at codon 158 of the PMS2 protein (p.Ser158Cys). This variant is not present in population databases (gnomAD no frequency). This missense change has been observed in individual(s) with biliary tract cancer (PMID: 36243179). ClinVar contains an entry for this variant (Variation ID: 490104). Invitae Evidence Modeling incorporating data from in vitro experimental studies (internal data) indicates that this missense variant is not expected to disrupt PMS2 function with a negative predictive value of 95%. In summary, the available evidence is currently insufficient to determine the role of this variant in disease. Therefore, it has been classified as a Variant of Uncertain Significance.

Ambry Genetics
Classification: Uncertain significance for Hereditary cancer-predisposing syndrome. Last evaluated: 2024-05-09. Review status: criteria provided, single submitter. Criteria: Ambry Variant Classification Scheme 2023. Collection method: clinical testing. Allele origin: germline.
Comment: The p.S158C variant (also known as c.472A>T), located in coding exon 5 of the PMS2 gene, results from an A to T substitution at nucleotide position 472. The serine at codon 158 is replaced by cysteine, an amino acid with dissimilar properties. This amino acid position is well conserved in available vertebrate species. In addition, this alteration is predicted to be tolerated by in silico analysis. Based on the available evidence, the clinical significance of this variant remains unclear.

Color Diagnostics, LLC DBA Color Health
Classification: Uncertain significance for Hereditary cancer-predisposing syndrome. Last evaluated: 2018-08-21. Review status: criteria provided, single submitter. Criteria: ACMG Guidelines, 2015. Collection method: clinical testing. Allele origin: germline.

Literature cited by the submitters: PubMed 36243179 (cited by Labcorp Genetics (formerly Invitae), Labcorp).